The following is an entry in ClinVar:

ClinVar aggregate classification (germline): Uncertain significance (1 of 4 stars; one submission).

Conditions:
Combined oxidative phosphorylation defect type 17. Also called: Combined oxidative phosphorylation deficiency 17. Identifiers: Orphanet 369913, MedGen C3809526, MONDO:0014190, OMIM 615440.

Submission:

Labcorp Genetics (formerly Invitae), Labcorp
Classification: Uncertain significance for Combined oxidative phosphorylation defect type 17. Last evaluated: 2024-06-10. Review status: criteria provided, single submitter. Criteria: Invitae Variant Classification Sherloc (09022015). Collection method: clinical testing. Allele origin: germline.
Comment: This sequence change falls in intron 17 of the ELAC2 gene. It does not directly change the encoded amino acid sequence of the ELAC2 protein. It affects a nucleotide within the consensus splice site. This variant is not present in population databases (gnomAD no frequency). This variant has not been reported in the literature in individuals affected with ELAC2-related conditions. ClinVar contains an entry for this variant (Variation ID: 1414965). Variants that disrupt the consensus splice site are a relatively common cause of aberrant splicing (PMID: 17576681, 9536098). Algorithms developed to predict the effect of sequence changes on RNA splicing suggest that this variant may disrupt the consensus splice site. In summary, the available evidence is currently insufficient to determine the role of this variant in disease. Therefore, it has been classified as a Variant of Uncertain Significance.

Literature cited by the submitters: PubMed 17576681; PubMed 9536098.

NM_018127.7(ELAC2):c.1659+5G>A

Gene: ELAC2 (elaC ribonuclease Z 2; minus strand). Cytogenetic location: 17p12.
Variant type: single nucleotide variant.
Coding change: c.1659+5G>A on transcript NM_018127.7 (MANE Select); 5 bases into the intron after coding-DNA position 1659, G replaced by A.
Molecular consequence: intron variant.
Genome position (GRCh38, 1-based): chr17:12,996,542, C>T on the plus strand (G>A on the coding strand, the complement: ELAC2 is on the minus strand). VCF-style: chr17-12996542-C-T. GRCh37 (hg19) VCF-style: chr17-12899859-C-T.
Other names: c.1539+5G>A (NM_001165962.2); c.1656+5G>A (NM_173717.2).
Identifiers: ClinVar variation 1414965 (VCV001414965.6), dbSNP rs2143568451, ClinGen allele CA2573153052.